The following is an entry in ClinVar:

ClinVar aggregate classification (germline): Uncertain significance. Review status: criteria provided, multiple submitters, no conflicts (2 of 4 stars). 2 submissions from 2 submitters: Uncertain significance (2). Last evaluated 2026-03-08.

Conditions:
FCSK-related disorder. Also called: FCSK-related condition.

Allele frequency attached by ClinVar (database versions not stated): gnomAD 0.00001.
gnomAD v4.1: 3 of 1,613,834 alleles (0.00019%); highest among the groups gnomAD compares: Non-Finnish European, 0.00025%; no homozygotes.

Submissions (2):

PreventionGenetics, part of Exact Sciences
Classification: Uncertain significance for FCSK-related condition. Last evaluated: 2026-03-08. Review status: criteria provided, single submitter. Criteria: ACMG Guidelines, 2015. Collection method: clinical testing. Allele origin: germline.
Comment: The FCSK c.441G>C variant is predicted to result in the amino acid substitution p.Trp147Cys. To our knowledge, this variant has not been reported in the literature or in a large population database (gnomAD), indicating this variant is rare. At this time, the clinical significance of this variant is uncertain due to the absence of conclusive functional and genetic evidence.

Labcorp Genetics (formerly Invitae), Labcorp
Classification: Uncertain significance. Last evaluated: 2024-01-12. Review status: criteria provided, single submitter. Criteria: Invitae Variant Classification Sherloc (09022015). Collection method: clinical testing. Allele origin: germline.
Comment: This sequence change replaces tryptophan, which is neutral and slightly polar, with cysteine, which is neutral and slightly polar, at codon 147 of the FUK protein (p.Trp147Cys). This variant is not present in population databases (gnomAD no frequency). This variant has not been reported in the literature in individuals affected with FUK-related conditions. ClinVar contains an entry for this variant (Variation ID: 2160850). An algorithm developed to predict the effect of missense changes on protein structure and function (PolyPhen-2) suggests that this variant is likely to be disruptive. In summary, the available evidence is currently insufficient to determine the role of this variant in disease. Therefore, it has been classified as a Variant of Uncertain Significance.

NM_145059.3(FCSK):c.441G>C (p.Trp147Cys)

Gene: FCSK (fucose kinase; plus strand). Cytogenetic location: 16q22.1.
Variant type: single nucleotide variant.
Coding change: c.441G>C on transcript NM_145059.3 (MANE Select); coding-DNA position 441, G replaced by C.
Protein change: p.Trp147Cys; replaces tryptophan 147 with cysteine.
Molecular consequence: missense variant.
Genome position (GRCh38, 1-based): chr16:70,466,911, G>C. VCF-style: chr16-70466911-G-C. GRCh37 (hg19) VCF-style: chr16-70500814-G-C.
Other names: c.441G>C (NM_145059.2); short protein forms W147C.
Identifiers: ClinVar variation 2160850 (VCV002160850.5), dbSNP rs2048436221, ClinGen allele CA396562468.
Genomic context (GRCh38, chr16:70,466,911, plus strand): 5'-CCAGCTGTGTTCTGTCTCCTTCCCCCCACAGCTGGGCCCGGGCTCCCCGCCAGGCGTGTG[G>C]GTCTGCAGCACCGACATGCTGCTGTCTGTTCCTGCAAATCCTGGTGAGCCTGAGACTACC-3'
Protein context (NP_659496.2, residues 137-157): RLGPGSPPGV[Trp147Cys]VCSTDMLLSV